The following is an entry in ClinVar:

ClinVar aggregate classification (germline): Likely benign (1 of 4 stars; one submission).

Conditions:
Cystic fibrosis (CF). Also called: MUCOVISCIDOSIS. Identifiers: Orphanet 586, MedGen C0010674, MONDO:0009061, OMIM 219700. Disease mechanism: loss of function.

Submission:

Johns Hopkins Genomics, Johns Hopkins University
Classification: Likely benign for Cystic fibrosis. Last evaluated: 2025-01-23. Review status: criteria provided, single submitter. Criteria: ACMG Guidelines, 2015. Collection method: clinical testing. Allele origin: germline.
Comment: This variant is classified as likely benign (PP4, BP4, BP7).

NM_000492.4(CFTR):c.53+9843C>T

Genes: CFTR (CF transmembrane conductance regulator; plus strand), LOC111674464 (CFTR intron 1 enhancer; plus strand). Cytogenetic location: 7q31.2.
Variant type: single nucleotide variant.
Coding change: c.53+9843C>T on transcript NM_000492.4 (MANE Select); 9843 bases into the intron after coding-DNA position 53, C replaced by T.
Molecular consequence: intron variant.
Genome position (GRCh38, 1-based): chr7:117,489,990, C>T. VCF-style: chr7-117489990-C-T. GRCh37 (hg19) VCF-style: chr7-117130044-C-T.
Identifiers: ClinVar variation 4280128 (VCV004280128.1).